The following is an entry in ClinVar:

ClinVar aggregate classification (germline): Uncertain significance (1 of 4 stars; one submission).

Conditions:
Neurodevelopmental disorder with hypotonia, stereotypic hand movements, and impaired language. Also called: Intellectual disability, autosomal dominant 20. Identifiers: Orphanet 228384, Orphanet 664410, MedGen C3150700, MONDO:0013266, OMIM 613443.

Submission:

Labcorp Genetics (formerly Invitae), Labcorp
Classification: Uncertain significance for Neurodevelopmental disorder with hypotonia, stereotypic hand movements, and impaired language. Last evaluated: 2021-12-13. Review status: criteria provided, single submitter. Criteria: Invitae Variant Classification Sherloc (09022015). Collection method: clinical testing. Allele origin: germline.
Comment: Variants that disrupt the consensus splice site are a relatively common cause of aberrant splicing (PMID: 17576681, 9536098). Algorithms developed to predict the effect of sequence changes on RNA splicing suggest that this variant is not likely to affect RNA splicing. This variant has not been reported in the literature in individuals affected with MEF2C-related conditions. This variant is not present in population databases (gnomAD no frequency). This sequence change falls in intron 2 of the MEF2C gene. It does not directly change the encoded amino acid sequence of the MEF2C protein. It affects a nucleotide within the consensus splice site. In summary, the available evidence is currently insufficient to determine the role of this variant in disease. Therefore, it has been classified as a Variant of Uncertain Significance.

Literature cited by the submitters: PubMed 17576681; PubMed 9536098.

NM_002397.5(MEF2C):c.54+6T>C

Gene: MEF2C (myocyte enhancer factor 2C; minus strand). Cytogenetic location: 5q14.3.
Variant type: single nucleotide variant.
Coding change: c.54+6T>C on transcript NM_002397.5 (MANE Select); 6 bases into the intron after coding-DNA position 54, T replaced by C.
Molecular consequence: intron variant.
Genome position (GRCh38, 1-based): chr5:88,823,729, A>G on the plus strand (T>C on the coding strand, the complement: MEF2C is on the minus strand). VCF-style: chr5-88823729-A-G. GRCh37 (hg19) VCF-style: chr5-88119546-A-G.
Other names: c.54+6T>C (NM_001364329.2, NM_001364330.2, NM_001364333.2 and 29 more transcripts).
Identifiers: ClinVar variation 2042114 (VCV002042114.4), dbSNP rs2532808142, ClinGen allele CA2580073710.
Genomic context (GRCh38, chr5:88,823,729, plus strand): 5'-CCCTTAACATATGTGGAGAAAATATAATTAATAAATAATGATACAAAAAAAGTTTACTCC[A>G]CTCACCTGTCTGTTACGTTCATCCATAATCCTCGTAATCTGAATCTTTTTTCTCCCCATA-3'